The following is an entry in ClinVar:

NM_001875.5(CPS1):c.303T>G (p.Ile101Met)

Gene: CPS1 (carbamoyl-phosphate synthase 1; plus strand). Cytogenetic location: 2q34.
Variant type: single nucleotide variant.
Coding change: c.303T>G on transcript NM_001875.5 (MANE Select); coding-DNA position 303, T replaced by G.
Protein change: p.Ile101Met; replaces isoleucine 101 with methionine.
Molecular consequence: missense variant. On other transcripts: non-coding transcript variant (1).
Genome position (GRCh38, 1-based): chr2:210,576,412, T>G. VCF-style: chr2-210576412-T-G. GRCh37 (hg19) VCF-style: chr2-211441136-T-G.
Other names: c.303T>G, p.Ile101Met (NM_001122633.3, NM_001369257.1); c.336T>G, p.Ile112Met (NM_001369256.1); c.303T>G (LRG_336t1); short protein forms I101M, I112M.
Identifiers: ClinVar variation 569897 (VCV000569897.8), dbSNP rs1559084624, ClinGen allele CA350423067.

ClinVar aggregate classification (germline): Uncertain significance (1 of 4 stars; one submission).

Conditions:
Congenital hyperammonemia, type I. Also called: Carbamoyl phosphate synthetase I deficiency disease; Carbamoyl-phosphate synthase I deficiency; CPS I DEFICIENCY; Carbamoyl phosphate synthetase 1 deficiency; Hyperammonemia due to carbamoyl phosphate synthetase 1 deficiency; CPS 1 deficiency. Identifiers: Orphanet 147, MedGen C4082171, MONDO:0009376, OMIM 237300.

Submission:

Labcorp Genetics (formerly Invitae), Labcorp
Classification: Uncertain significance for Congenital hyperammonemia, type I. Last evaluated: 2022-02-04. Review status: criteria provided, single submitter. Criteria: Invitae Variant Classification Sherloc (09022015). Collection method: clinical testing. Allele origin: germline.
Comment: This sequence change replaces isoleucine, which is neutral and non-polar, with methionine, which is neutral and non-polar, at codon 101 of the CPS1 protein (p.Ile101Met). In summary, the available evidence is currently insufficient to determine the role of this variant in disease. Therefore, it has been classified as a Variant of Uncertain Significance. Algorithms developed to predict the effect of missense changes on protein structure and function are either unavailable or do not agree on the potential impact of this missense change (SIFT: "Deleterious"; PolyPhen-2: "Possibly Damaging"; Align-GVGD: "Class C0"). ClinVar contains an entry for this variant (Variation ID: 569897). This variant has not been reported in the literature in individuals affected with CPS1-related conditions. This variant is not present in population databases (gnomAD no frequency).